The following is an entry in ClinVar:

ClinVar aggregate classification (germline): Likely benign (1 of 4 stars; one submission).

Submission:

CeGaT Center for Human Genetics Tuebingen
Classification: Likely benign. Last evaluated: 2023-05-01. Review status: criteria provided, single submitter. Criteria: CeGaT Center For Human Genetics Tuebingen Variant Classification Criteria Version 2. Collection method: clinical testing. Allele origin: germline. Affected: yes. Observed: 1 variant allele.
Comment: NIPBL: BP4, BP7

NM_133433.4(NIPBL):c.444A>C (p.Ser148=)

Gene: NIPBL (NIPBL cohesin loading factor; plus strand). Cytogenetic location: 5p13.2.
Variant type: single nucleotide variant.
Coding change: c.444A>C on transcript NM_133433.4 (MANE Select); coding-DNA position 444, A replaced by C.
Protein change: p.Ser148=; no amino-acid change (serine 148 retained).
Molecular consequence: synonymous variant.
Genome position (GRCh38, 1-based): chr5:36,961,569, A>C. VCF-style: chr5-36961569-A-C. GRCh37 (hg19) VCF-style: chr5-36961671-A-C.
Other names: c.444A>C, p.Ser148= (NM_015384.5).
Identifiers: ClinVar variation 2655416 (VCV002655416.24), dbSNP rs2479027605, ClinGen allele CA443901968.